The following is an entry in ClinVar:

NM_000377.3(WAS):c.110del (p.Glu37fs)

Gene: WAS (WASP actin nucleation promoting factor; plus strand). Cytogenetic location: Xp11.23.
Variant type: Deletion.
Coding change: c.110del on transcript NM_000377.3 (MANE Select); coding-DNA position 110, one base deleted (A; older notation c.110delA).
Protein change: p.Glu37fs; shifts the reading frame from glutamic acid 37.
Molecular consequence: frameshift variant.
Genome position (GRCh38, 1-based): chrX:48,683,963, A deleted. VCF-style (leftmost placement, unchanged base first): chrX-48683962-GA-G. GRCh37 (hg19) VCF-style: chrX-48542351-GA-G.
Other names: c.110delA (NM_000377.3); c.110del, p.Glu37fs (NM_001438876.1, NM_001438877.1, NM_001438878.1 and 1 more transcripts); short protein forms E37fs.
Identifiers: ClinVar variation 4848491 (VCV004848491.1).

ClinVar aggregate classification (germline): Pathogenic (1 of 4 stars; one submission).

Conditions:
Wiskott-Aldrich syndrome (WAS). Also called: ALDRICH SYNDROME; IMMUNODEFICIENCY 2; WISKOTT-ALDRICH SYNDROME 1; Wiskott-aldrich syndrome, somatic. Identifiers: Orphanet 906, MedGen C0043194, MONDO:0010518, OMIM 301000.

Submission:

Women's Health and Genetics/Laboratory Corporation of America, LabCorp
Classification: Pathogenic for Wiskott-Aldrich syndrome. Last evaluated: 2026-04-16. Review status: criteria provided, single submitter. Criteria: LabCorp Variant Classification Summary - May 2015. Collection method: clinical testing. Allele origin: germline.
Comment: Variant summary: WAS c.110delA (p.Glu37GlyfsX8) results in a premature termination codon, predicted to cause a truncation of the encoded protein or absence of the protein due to nonsense mediated decay, which are commonly known mechanisms for disease. The variant was absent in 183311 control chromosomes. To our knowledge, no occurrence of c.110delA in individuals affected with WAS-related conditions and no experimental evidence demonstrating its impact on protein function have been reported. No submitters have cited clinical-significance assessments for this variant to ClinVar. Based on the evidence outlined above, the variant was classified as pathogenic.